The following is an entry in ClinVar:

ClinVar aggregate classification (germline): Likely benign. Review status: criteria provided, multiple submitters, no conflicts (2 of 4 stars). 2 submissions from 2 submitters: Likely benign (2). Last evaluated 2026-02-26.

Conditions:
CREBBP-related disorder. Also called: CREBBP-related condition; CREBBP-related disorders.
Rubinstein-Taybi syndrome (RSTS). Identifiers: Orphanet 783, MedGen C0035934, MONDO:0019188.

Submissions (2):

PreventionGenetics, part of Exact Sciences
Classification: Likely benign for CREBBP-related condition. Last evaluated: 2026-02-26. Review status: criteria provided, single submitter. Criteria: ACMG Guidelines, 2015. Collection method: clinical testing. Allele origin: germline.
Comment: This variant is classified as likely benign based on ACMG/AMP sequence variant interpretation guidelines (Richards et al. 2015 PMID: 25741868, with internal and published modifications).

Labcorp Genetics (formerly Invitae), Labcorp
Classification: Likely benign for Rubinstein-Taybi syndrome. Last evaluated: 2024-09-10. Review status: criteria provided, single submitter. Criteria: Invitae Variant Classification Sherloc (09022015). Collection method: clinical testing. Allele origin: germline.

NM_004380.3(CREBBP):c.2670T>G (p.Thr890=)

Gene: CREBBP (CREB binding lysine acetyltransferase; minus strand). Cytogenetic location: 16p13.3.
Variant type: single nucleotide variant.
Coding change: c.2670T>G on transcript NM_004380.3 (MANE Select); coding-DNA position 2670, T replaced by G.
Protein change: p.Thr890=; no amino-acid change (threonine 890 retained).
Molecular consequence: synonymous variant.
Genome position (GRCh38, 1-based): chr16:3,770,780, A>C on the plus strand (T>G on the coding strand, the complement: CREBBP is on the minus strand). VCF-style: chr16-3770780-A-C. GRCh37 (hg19) VCF-style: chr16-3820781-A-C.
Other names: c.2556T>G, p.Thr852= (NM_001079846.1); c.2670T>G (NM_004380.2).
Identifiers: ClinVar variation 3603459 (VCV003603459.3).